The following is an entry in ClinVar:

ClinVar aggregate classification (germline): Pathogenic (1 of 4 stars; one submission).

Submission:

Labcorp Genetics (formerly Invitae), Labcorp
Classification: Pathogenic. Last evaluated: 2024-06-03. Review status: criteria provided, single submitter. Criteria: Invitae Variant Classification Sherloc (09022015). Collection method: clinical testing. Allele origin: germline.
Comment: This sequence change creates a premature translational stop signal (p.Gly14Argfs*56) in the C7 gene. It is expected to result in an absent or disrupted protein product. Loss-of-function variants in C7 are known to be pathogenic (PMID: 9856499, 17407100). This variant is not present in population databases (gnomAD no frequency). This variant has not been reported in the literature in individuals affected with C7-related conditions. For these reasons, this variant has been classified as Pathogenic.

Literature cited by the submitters: PubMed 9856499; PubMed 17407100.

NM_000587.4(C7):c.38dup (p.Gly14fs)

Gene: C7 (complement C7; plus strand). Cytogenetic location: 5p13.1.
Variant type: Duplication.
Coding change: c.38dup on transcript NM_000587.4 (MANE Select); coding-DNA position 38, one base duplicated (T; older notation c.38dupT).
Protein change: p.Gly14fs; shifts the reading frame from glycine 14.
Molecular consequence: frameshift variant.
Genome position (GRCh38, 1-based): chr5:40,928,611, T duplicated. VCF-style (leftmost placement, unchanged base first): chr5-40928610-A-AT. GRCh37 (hg19) VCF-style: chr5-40928712-A-AT.
Other names: short protein forms G14fs.
Identifiers: ClinVar variation 2717734 (VCV002717734.3), dbSNP rs2478150791, ClinGen allele CA2697547132.